The following is an entry in ClinVar:

NM_198578.4(LRRK2):c.7432A>C (p.Lys2478Gln)

Gene: LRRK2 (leucine rich repeat kinase 2; plus strand). Cytogenetic location: 12q12.
Variant type: single nucleotide variant.
Coding change: c.7432A>C on transcript NM_198578.4 (MANE Select); coding-DNA position 7432, A replaced by C.
Protein change: p.Lys2478Gln; replaces lysine 2478 with glutamine.
Molecular consequence: missense variant.
Genome position (GRCh38, 1-based): chr12:40,367,047, A>C. VCF-style: chr12-40367047-A-C. GRCh37 (hg19) VCF-style: chr12-40760849-A-C.
Other names: short protein forms K2478Q.
Identifiers: ClinVar variation 1758891 (VCV001758891.3), dbSNP rs914562668, ClinGen allele CA235361738.
Genomic context (GRCh38, chr12:40,367,047, plus strand): 5'-ATATTTTGTTTTTGTAAAGGAAGCCTTAAAAATGTCATGCTGGTATTGGGCTACAACCGG[A>C]AAAATACTGAAGGTACACAAAAGCAGAAAGGTAACATTTAGAAGGATACTGTTTTCCAAA-3'
Protein context (NP_940980.4, residues 2468-2488): NVMLVLGYNR[Lys2478Gln]NTEGTQKQKE

ClinVar aggregate classification (germline): Uncertain significance (1 of 4 stars; one submission).

Conditions:
Inborn genetic diseases. Identifiers: MedGen C0950123, MeSH D030342.

Allele frequency attached by ClinVar (database versions not stated): gnomAD exomes below 0.00001; TOPMed below 0.00001; gnomAD 0.00001.
gnomAD v4.1: 3 of 1,608,884 alleles (0.00019%); highest among the groups gnomAD compares: African/African-American, 0.004%; no homozygotes.

Submission:

Ambry Genetics
Classification: Uncertain significance for Inborn genetic diseases. Last evaluated: 2024-04-17. Review status: criteria provided, single submitter. Criteria: Ambry Variant Classification Scheme 2023. Collection method: clinical testing. Allele origin: germline.
Comment: The p.K2478Q variant (also known as c.7432A>C), located in coding exon 50 of the LRRK2 gene, results from an A to C substitution at nucleotide position 7432. The lysine at codon 2478 is replaced by glutamine, an amino acid with similar properties. This amino acid position is conserved. In addition, this alteration is predicted to be tolerated by in silico analysis. Since supporting evidence is limited at this time, the clinical significance of this alteration remains unclear.